The following is an entry in ClinVar:

NM_001737.5(C9):c.1585G>A (p.Ala529Thr)

Gene: C9 (complement C9; minus strand). Cytogenetic location: 5p13.1.
Variant type: single nucleotide variant.
Coding change: c.1585G>A on transcript NM_001737.5 (MANE Select); coding-DNA position 1585, G replaced by A.
Protein change: p.Ala529Thr; replaces alanine 529 with threonine.
Molecular consequence: missense variant.
Genome position (GRCh38, 1-based): chr5:39,288,783, C>T on the plus strand (G>A on the coding strand, the complement: C9 is on the minus strand). VCF-style: chr5-39288783-C-T. GRCh37 (hg19) VCF-style: chr5-39288885-C-T.
Other names: short protein forms A529T.
Identifiers: ClinVar variation 1581502 (VCV001581502.11), dbSNP rs137891079, ClinGen allele CA3246655.

ClinVar aggregate classification (germline): Conflicting classifications of pathogenicity. Review status: criteria provided, conflicting classifications (1 of 4 stars). 3 submissions from 3 submitters: Uncertain significance (1); Likely benign (2). Last evaluated 2026-01-20.

Conditions:
Complement component 9 deficiency (C9D). Also called: C9 deficiency. Identifiers: MedGen C3151189, MONDO:0013445, OMIM 613825.
Age related macular degeneration 15. Also called: MACULAR DEGENERATION, AGE-RELATED, 15, SUSCEPTIBILITY TO. Identifiers: MedGen C3810042, MONDO:0014266, OMIM 615591.

Allele frequency attached by ClinVar (database versions not stated): TOPMed 0.00027; gnomAD 0.00028 and 0.00040; ESP Exome Variant Server 0.00031; ExAC 0.00051; gnomAD exomes 0.00059 and 0.00071; 1000 Genomes Project 30x 0.00156; 1000 Genomes Project 0.00160.

Submissions (3):

Labcorp Genetics (formerly Invitae), Labcorp
Classification: Likely benign. Last evaluated: 2026-01-20. Review status: criteria provided, single submitter. Criteria: Invitae Variant Classification Sherloc (09022015). Collection method: clinical testing. Allele origin: germline.

Blueprint Genetics
Classification: Likely benign. Last evaluated: 2024-10-18. Review status: criteria provided, single submitter. Criteria: ACMG Guidelines, 2015. Collection method: clinical testing. Allele origin: germline.

Center for Genomics, Ann and Robert H. Lurie Children's Hospital of Chicago
Classification: Uncertain significance for Complement component 9 deficiency; Age related macular degeneration 15. Review status: criteria provided, single submitter. Criteria: ACMG Guidelines, 2015. Collection method: clinical testing. Allele origin: germline.
Comment: C9 NM_001737.4 exon 10 p.Ala529Thr (c.1585G>A): This variant has not been reported in the literature but is present in 0.2% (67/30598) of South Asian alleles in the Genome Aggregation Database. This variant amino acid Threonine (Thr) is present in 15 species and is not well conserved among evolutionarily distant species; this suggests that this variant may not impact the protein. Additional computational prediction tools do not suggest an impact. In summary, data on this variant is insufficient for disease classification. Therefore, the clinical significance of this variant is uncertain.